The following is an entry in ClinVar:

ClinVar aggregate classification (germline): Uncertain significance. Review status: criteria provided, multiple submitters, no conflicts (2 of 4 stars). 4 submissions from 4 submitters: Uncertain significance (4). Last evaluated 2024-07-11.

Conditions:
Renal cell carcinoma. Identifiers: Orphanet 217071, MedGen C0007134, MeSH D002292, MONDO:0005086, HP:0005584.
Hereditary cancer-predisposing syndrome. Also called: Hereditary Cancer Syndrome; Hereditary neoplastic syndrome; Neoplastic Syndromes, Hereditary; Tumor predisposition. Identifiers: Orphanet 140162, MedGen C0027672, MeSH D009386, MONDO:0015356.
Papillary renal cell carcinoma type 1 (RCCP1). Also called: Renal adenocarcinoma; Renal cell carcinoma 1; Renal cell carcinoma, somatic; RENAL CELL CARCINOMA, PAPILLARY, 1, SOMATIC. Identifiers: Orphanet 47044, MedGen C1336839, OMIM 605074, HP:0011797.

Allele frequency attached by ClinVar (database versions not stated): gnomAD exomes 0.00001; TOPMed 0.00002.
gnomAD v4.1: 7 of 1,613,770 alleles (0.00043%); highest among the groups gnomAD compares: Middle Eastern, 0.017%; no homozygotes.

Submissions (4):

Ambry Genetics
Classification: Uncertain significance for Hereditary cancer-predisposing syndrome. Last evaluated: 2024-07-11. Review status: criteria provided, single submitter. Criteria: Ambry Variant Classification Scheme 2023. Collection method: clinical testing. Allele origin: germline.
Comment: The p.R731Q variant (also known as c.2192G>A), located in coding exon 8 of the MET gene, results from a G to A substitution at nucleotide position 2192. The arginine at codon 731 is replaced by glutamine, an amino acid with highly similar properties. This amino acid position is highly conserved in available vertebrate species. In addition, the in silico prediction for this alteration is inconclusive. Based on the available evidence, the clinical significance of this variant remains unclear.

Labcorp Genetics (formerly Invitae), Labcorp
Classification: Uncertain significance for Renal cell carcinoma. Last evaluated: 2024-05-21. Review status: criteria provided, single submitter. Criteria: Invitae Variant Classification Sherloc (09022015). Collection method: clinical testing. Allele origin: germline.
Comment: This sequence change replaces arginine, which is basic and polar, with glutamine, which is neutral and polar, at codon 731 of the MET protein (p.Arg731Gln). This variant is present in population databases (rs45446492, gnomAD 0.006%). This missense change has been observed in individual(s) with breast cancer (PMID: 35264596). ClinVar contains an entry for this variant (Variation ID: 452678). Advanced modeling of protein sequence and biophysical properties (such as structural, functional, and spatial information, amino acid conservation, physicochemical variation, residue mobility, and thermodynamic stability) performed at Invitae indicates that this missense variant is not expected to disrupt MET protein function with a negative predictive value of 80%. In summary, the available evidence is currently insufficient to determine the role of this variant in disease. Therefore, it has been classified as a Variant of Uncertain Significance.

Mendelics
Classification: Uncertain significance for Renal cell carcinoma, papillary, 1. Last evaluated: 2018-07-02. Review status: criteria provided, single submitter. Criteria: Mendelics Assertion Criteria 2017. Collection method: clinical testing. Allele origin: unknown.

GeneDx
Classification: Uncertain significance. Last evaluated: 2017-10-18. Review status: criteria provided, single submitter. Criteria: GeneDx Variant Classification (06012015). Collection method: clinical testing. Allele origin: germline. Affected: yes.
Comment: The R731Q variant in the MET gene has not been reported previously as a pathogenic variant, nor as a benign variant, to our knowledge. The R731Q variant is not observed at a significant frequency in large population cohorts (Lek et al., 2016). The R731Q variant is a semi-conservative amino acid substitution, which may impact secondary protein structure as these residues differ in some properties. This substitution occurs at a position in the IPT/TIG2 domain where amino acids with similar properties to Arginine are tolerated across species. In silico analysis is inconsistent in its predictions as to whether or not the variant is damaging to the protein structure/function. We interpret R731Q as a variant of uncertain significance.

Literature cited by the submitters: PubMed 35264596 (cited by Labcorp Genetics (formerly Invitae), Labcorp).

NM_000245.4(MET):c.2192G>A (p.Arg731Gln)

Gene: MET (MET proto-oncogene, receptor tyrosine kinase; plus strand). Cytogenetic location: 7q31.2.
Variant type: single nucleotide variant.
Coding change: c.2192G>A on transcript NM_000245.4 (MANE Select); coding-DNA position 2192, G replaced by A.
Protein change: p.Arg731Gln; replaces arginine 731 with glutamine.
Molecular consequence: missense variant.
Genome position (GRCh38, 1-based): chr7:116,758,548, G>A. VCF-style: chr7-116758548-G-A. GRCh37 (hg19) VCF-style: chr7-116398602-G-A.
Other names: c.2192G>A, p.Arg731Gln (NM_001127500.3, NM_001324401.3); c.902G>A, p.Arg301Gln (NM_001324402.2); short protein forms R731Q, R301Q.
Identifiers: ClinVar variation 452678 (VCV000452678.14), dbSNP rs45446492, ClinGen allele CA164894281.